The following is an entry in ClinVar:

NM_003835.4(RGS9):c.607_618del (p.Tyr203_Asp206del)

Gene: RGS9 (regulator of G protein signaling 9; plus strand). Cytogenetic location: 17q24.1.
Variant type: Deletion.
Coding change: c.607_618del on transcript NM_003835.4 (MANE Select); coding-DNA positions 607 to 618, 12 bases deleted (TACGGCCTGGAC).
Protein change: p.Tyr203_Asp206del.
Molecular consequence: inframe deletion.
Genome position (GRCh38, 1-based): chr17:65,177,756-65,177,767, TACGGCCTGGAC deleted; deleting any 12 consecutive bases within chr17:65,177,750-65,177,767 gives the same sequence; the c. name uses the placement nearest the transcript's 3' end. VCF-style (leftmost placement, unchanged base first): chr17-65177749-GCTGGACTACGGC-G. GRCh37 (hg19) VCF-style: chr17-63173867-GCTGGACTACGGC-G.
Other names: c.607_618del, p.Tyr203_Asp206del (NM_001081955.3, NM_001165933.2).
Identifiers: ClinVar variation 965752 (VCV000965752.9), dbSNP rs1911702224, ClinGen allele CA1139665836.

ClinVar aggregate classification (germline): Uncertain significance (1 of 4 stars; one submission).

Submission:

Labcorp Genetics (formerly Invitae), Labcorp
Classification: Uncertain significance. Last evaluated: 2022-09-27. Review status: criteria provided, single submitter. Criteria: Invitae Variant Classification Sherloc (09022015). Collection method: clinical testing. Allele origin: germline.
Comment: ClinVar contains an entry for this variant (Variation ID: 965752). This variant has not been reported in the literature in individuals affected with RGS9-related conditions. This variant is not present in population databases (gnomAD no frequency). This variant, c.607_618del, results in the deletion of 4 amino acid(s) of the RGS9 protein (p.Tyr203_Asp206del), but otherwise preserves the integrity of the reading frame. In summary, the available evidence is currently insufficient to determine the role of this variant in disease. Therefore, it has been classified as a Variant of Uncertain Significance. Experimental studies and prediction algorithms are not available or were not evaluated, and the functional significance of this variant is currently unknown.